The following is an entry in ClinVar:

NM_153717.3(EVC):c.1625C>T (p.Thr542Met)

Gene: EVC (EvC ciliary complex subunit 1; plus strand). Cytogenetic location: 4p16.2.
Variant type: single nucleotide variant.
Coding change: c.1625C>T on transcript NM_153717.3 (MANE Select); coding-DNA position 1625, C replaced by T.
Protein change: p.Thr542Met; replaces threonine 542 with methionine.
Molecular consequence: missense variant.
Genome position (GRCh38, 1-based): chr4:5,783,613, C>T. VCF-style: chr4-5783613-C-T. GRCh37 (hg19) VCF-style: chr4-5785340-C-T.
Other names: c.1625C>T, p.Thr542Met (NM_001306090.2); c.1625C>T (NM_153717.2); short protein forms T542M.
Identifiers: ClinVar variation 2046169 (VCV002046169.3), dbSNP rs764417990, ClinGen allele CA2836202.
Genomic context (GRCh38, chr4:5,783,613, plus strand): 5'-AGCTGTACTTCAGCACCGTGGACACTTTCCAGAAGTTCGTGGATGCCCTGTTCCTTCAGA[C>T]GCTCCCTGGCATGACTGGCCTCCCCCCGGAAGAGTGTGACTACTTGAGGCAGGAAGTCCA-3'
Protein context (NP_714928.1, residues 532-552): QKFVDALFLQ[Thr542Met]LPGMTGLPPE

ClinVar aggregate classification (germline): Uncertain significance. Review status: criteria provided, multiple submitters, no conflicts (2 of 4 stars). 3 submissions from 3 submitters: Uncertain significance (3). Last evaluated 2026-05-13.

Conditions:
Inborn genetic diseases. Identifiers: MedGen C0950123, MeSH D030342.
Ellis-van Creveld syndrome (EVC). Also called: MESOECTODERMAL DYSPLASIA; Chondroectodermal dysplasia. Identifiers: Orphanet 289, MedGen C0013903, MONDO:0009162, OMIM 225500.
Curry-Hall syndrome (WAD). Also called: WEYERS ACRODENTAL DYSOSTOSIS. Identifiers: Orphanet 952, MedGen C0457013, MONDO:0008673, OMIM 193530.

Allele frequency attached by ClinVar (database versions not stated): gnomAD 0.00002; gnomAD exomes 0.00002; TOPMed 0.00005; ExAC 0.00005.
gnomAD v4.1: 34 of 1,614,052 alleles (0.0021%); highest among the groups gnomAD compares: Admixed American, 0.012%; no homozygotes.

Submissions (3):

Women's Health and Genetics/Laboratory Corporation of America, LabCorp
Classification: Uncertain significance. Last evaluated: 2026-05-13. Review status: criteria provided, single submitter. Criteria: LabCorp Variant Classification Summary - May 2015. Collection method: clinical testing. Allele origin: germline.

Ambry Genetics
Classification: Uncertain significance for Inborn genetic diseases. Last evaluated: 2025-02-18. Review status: criteria provided, single submitter. Criteria: Ambry Variant Classification Scheme 2023. Collection method: clinical testing. Allele origin: germline.

Labcorp Genetics (formerly Invitae), Labcorp
Classification: Uncertain significance for Curry-Hall syndrome; Ellis-van Creveld syndrome. Last evaluated: 2022-06-27. Review status: criteria provided, single submitter. Criteria: Invitae Variant Classification Sherloc (09022015). Collection method: clinical testing. Allele origin: germline.
Comment: This sequence change replaces threonine, which is neutral and polar, with methionine, which is neutral and non-polar, at codon 542 of the EVC protein (p.Thr542Met). This variant is present in population databases (rs764417990, gnomAD 0.02%). This variant has not been reported in the literature in individuals affected with EVC-related conditions. Algorithms developed to predict the effect of missense changes on protein structure and function are either unavailable or do not agree on the potential impact of this missense change (SIFT: "Deleterious"; PolyPhen-2: "Probably Damaging"; Align-GVGD: "Class C0"). In summary, the available evidence is currently insufficient to determine the role of this variant in disease. Therefore, it has been classified as a Variant of Uncertain Significance.